The following is an entry in ClinVar:

NM_022124.6(CDH23):c.1250T>A (p.Ile417Asn)

Gene: CDH23 (cadherin related 23; plus strand). Cytogenetic location: 10q22.1.
Variant type: single nucleotide variant.
Coding change: c.1250T>A on transcript NM_022124.6 (MANE Select); coding-DNA position 1250, T replaced by A.
Protein change: p.Ile417Asn; replaces isoleucine 417 with asparagine.
Molecular consequence: missense variant.
Genome position (GRCh38, 1-based): chr10:71,645,940, T>A. VCF-style: chr10-71645940-T-A. GRCh37 (hg19) VCF-style: chr10-73405697-T-A.
Other names: c.1250T>A, p.Ile417Asn (NM_001171930.2, NM_001171931.2, NM_052836.4); short protein forms I417N.
Identifiers: ClinVar variation 1011372 (VCV001011372.10), dbSNP rs1371377837, ClinGen allele CA377127796.

ClinVar aggregate classification (germline): Uncertain significance (1 of 4 stars; one submission).

Allele frequency attached by ClinVar (database versions not stated): gnomAD below 0.00001 and 0.00001; gnomAD exomes below 0.00001.

Submission:

Labcorp Genetics (formerly Invitae), Labcorp
Classification: Uncertain significance. Last evaluated: 2024-03-18. Review status: criteria provided, single submitter. Criteria: Invitae Variant Classification Sherloc (09022015). Collection method: clinical testing. Allele origin: germline.
Comment: This sequence change replaces isoleucine, which is neutral and non-polar, with asparagine, which is neutral and polar, at codon 417 of the CDH23 protein (p.Ile417Asn). This variant is present in population databases (no rsID available, gnomAD 0.003%). This variant has not been reported in the literature in individuals affected with CDH23-related conditions. ClinVar contains an entry for this variant (Variation ID: 1011372). Advanced modeling of protein sequence and biophysical properties (such as structural, functional, and spatial information, amino acid conservation, physicochemical variation, residue mobility, and thermodynamic stability) performed at Invitae indicates that this missense variant is not expected to disrupt CDH23 protein function with a negative predictive value of 95%. In summary, the available evidence is currently insufficient to determine the role of this variant in disease. Therefore, it has been classified as a Variant of Uncertain Significance.